The following is an entry in ClinVar:

ClinVar aggregate classification (germline): Uncertain significance (1 of 4 stars; one submission).

gnomAD v4.1: 1 of 1,614,142 alleles (0.000062%); highest among the groups gnomAD compares: Non-Finnish European, 0.000085%; no homozygotes.

Submission:

Labcorp Genetics (formerly Invitae), Labcorp
Classification: Uncertain significance. Last evaluated: 2025-06-15. Review status: criteria provided, single submitter. Criteria: Invitae Variant Classification Sherloc (09022015). Collection method: clinical testing. Allele origin: germline.
Comment: This sequence change replaces leucine, which is neutral and non-polar, with valine, which is neutral and non-polar, at codon 452 of the CARD8 protein (p.Leu452Val). This variant is not present in population databases (gnomAD no frequency). This variant has not been reported in the literature in individuals affected with CARD8-related conditions. An algorithm developed to predict the effect of missense changes on protein structure and function (PolyPhen-2) suggests that this variant is likely to be disruptive. In summary, the available evidence is currently insufficient to determine the role of this variant in disease. Therefore, it has been classified as a Variant of Uncertain Significance.

NM_001184900.3(CARD8):c.1504T>G (p.Leu502Val)

Gene: CARD8 (caspase recruitment domain family member 8; minus strand). Cytogenetic location: 19q13.33.
Variant type: single nucleotide variant.
Coding change: c.1504T>G on transcript NM_001184900.3 (MANE Select); coding-DNA position 1504, T replaced by G.
Protein change: p.Leu502Val; replaces leucine 502 with valine.
Molecular consequence: missense variant. On other transcripts: 3 prime UTR variant (7), non-coding transcript variant (3), intron variant (1).
Genome position (GRCh38, 1-based): chr19:48,211,820, A>C on the plus strand (T>G on the coding strand, the complement: CARD8 is on the minus strand). VCF-style: chr19-48211820-A-C. GRCh37 (hg19) VCF-style: chr19-48715077-A-C.
Other names: c.1354T>G, p.Leu452Val (NM_001184901.1, NM_001351783.2, NM_014959.5); c.*183T>G (NM_001184902.2, NM_001184903.1, NM_001351788.2 and 4 more transcripts); c.1504T>G, p.Leu502Val (NM_001351782.2); c.1189T>G, p.Leu397Val (NM_001351784.2); c.1168T>G, p.Leu390Val (NM_001351786.2); c.1186T>G, p.Leu396Val (NM_001365950.1); c.1033+3520T>G (NM_001351787.2); short protein forms L390V, L452V, L396V, L397V, L502V.
Identifiers: ClinVar variation 4721054 (VCV004721054.1).
Genomic context (GRCh38, chr19:48,211,820, plus strand): 5'-TAATGCTTCTGAAGAGCACGTCCAGGGCCAGGTCCCCTTTCTTCTCCACCATGCTCAGCA[A>C]GGCCTCATTCTTGCTCTGCCGTGTCTTTTCCTGCTCCACCAGCTCCTTCTCATTCTCAGT-3'
Protein context (NP_001171829.1, residues 492-512): EKTRQSKNEA[Leu502Val]LSMVEKKGDL